The following is an entry in ClinVar:

NM_000051.4(ATM):c.7046G>A (p.Cys2349Tyr)

Genes: ATM (ATM serine/threonine kinase; plus strand), C11orf65 (chromosome 11 open reading frame 65; minus strand). Cytogenetic location: 11q22.3.
Variant type: single nucleotide variant.
Coding change: c.7046G>A on transcript NM_000051.4 (MANE Select); coding-DNA position 7046, G replaced by A.
Protein change: p.Cys2349Tyr; replaces cysteine 2349 with tyrosine.
Molecular consequence: missense variant. On other transcripts: intron variant (2).
Genome position (GRCh38, 1-based): chr11:108,327,715, G>A. VCF-style: chr11-108327715-G-A. GRCh37 (hg19) VCF-style: chr11-108198442-G-A.
Other names: p.Cys2349Tyr; c.7046G>A, p.Cys2349Tyr (NM_001351834.2); c.641-18644C>T (NM_001330368.2); c.*38+7505C>T (NM_001351110.2); short protein forms C2349Y.
Identifiers: ClinVar variation 935411 (VCV000935411.13), dbSNP rs1223489931, ClinGen allele CA382558926.

ClinVar aggregate classification (germline): Uncertain significance. Review status: criteria provided, multiple submitters, no conflicts (2 of 4 stars). 5 submissions from 5 submitters: Uncertain significance (5). Last evaluated 2025-12-09.

Conditions:
Hereditary cancer-predisposing syndrome. Also called: Tumor predisposition; Neoplastic Syndromes, Hereditary; Hereditary neoplastic syndrome; Hereditary Cancer Syndrome. Identifiers: Orphanet 140162, MedGen C0027672, MeSH D009386, MONDO:0015356.
ATM-related cancer predisposition. Also called: ATM-related cancer susceptibility. Identifiers: MedGen CN377759, MONDO:0700270.
Ataxia-telangiectasia syndrome (AT). Also called: Ataxia-telangiectasia, complementation group D; AT, COMPLEMENTATION GROUP C; ATAXIA-TELANGIECTASIA, COMPLEMENTATION GROUP A; ATAXIA-TELANGIECTASIA, FRESNO VARIANT; Ataxia-telangiectasia; Ataxia telangiectasia (A-T). Identifiers: Orphanet 100, MedGen C0004135, MONDO:0008840, OMIM 208900.

Allele frequency attached by ClinVar (database versions not stated): gnomAD exomes below 0.00001; TOPMed below 0.00001; gnomAD 0.00001.
gnomAD v4.1: 2 of 1,613,890 alleles (0.00012%); highest among the groups gnomAD compares: Non-Finnish European, 0.00017%; no homozygotes.

Submissions (5):

Mayo Clinic Laboratories, Mayo Clinic
Classification: Uncertain significance. Last evaluated: 2025-12-09. Review status: criteria provided, single submitter. Criteria: ACMG Guidelines, 2015. Collection method: clinical testing. Allele origin: germline. Observed: 1 variant allele.
Comment: PM2_supporting

GeneDx
Classification: Uncertain significance. Last evaluated: 2025-01-02. Review status: criteria provided, single submitter. Criteria: GeneDx Variant Classification Process June 2021. Collection method: clinical testing. Allele origin: germline. Affected: yes.
Comment: Not observed at significant frequency in large population cohorts (gnomAD); In silico analysis supports that this missense variant has a deleterious effect on protein structure/function; Has not been previously published as pathogenic or benign to our knowledge; This variant is associated with the following publications: (PMID: 23532176)

Department of Pathology and Laboratory Medicine, Sinai Health System
Classification: Uncertain significance for ATM-related cancer predisposition. Last evaluated: 2024-07-26. Review status: criteria provided, single submitter. Criteria: ACMG Guidelines, 2015. Collection method: clinical testing. Allele origin: germline.

Labcorp Genetics (formerly Invitae), Labcorp
Classification: Uncertain significance for Ataxia-telangiectasia syndrome. Last evaluated: 2024-05-22. Review status: criteria provided, single submitter. Criteria: Invitae Variant Classification Sherloc (09022015). Collection method: clinical testing. Allele origin: germline.
Comment: This sequence change replaces cysteine, which is neutral and slightly polar, with tyrosine, which is neutral and polar, at codon 2349 of the ATM protein (p.Cys2349Tyr). This variant is not present in population databases (gnomAD no frequency). This variant has not been reported in the literature in individuals affected with ATM-related conditions. ClinVar contains an entry for this variant (Variation ID: 935411). An algorithm developed to predict the effect of missense changes on protein structure and function (PolyPhen-2) suggests that this variant is likely to be disruptive. In summary, the available evidence is currently insufficient to determine the role of this variant in disease. Therefore, it has been classified as a Variant of Uncertain Significance.

Ambry Genetics
Classification: Uncertain significance for Hereditary cancer-predisposing syndrome. Last evaluated: 2019-05-09. Review status: criteria provided, single submitter. Criteria: Ambry Variant Classification Scheme 2023. Collection method: clinical testing. Allele origin: germline.
Comment: The p.C2349Y variant (also known as c.7046G>A), located in coding exon 47 of the ATM gene, results from a G to A substitution at nucleotide position 7046. The cysteine at codon 2349 is replaced by tyrosine, an amino acid with highly dissimilar properties. This amino acid position is highly conserved in available vertebrate species. In addition, this alteration is predicted to be deleterious by in silico analysis. Since supporting evidence is limited at this time, the clinical significance of this alteration remains unclear.